The following is an entry in ClinVar:

ClinVar aggregate classification (germline): Conflicting classifications of pathogenicity. Review status: criteria provided, conflicting classifications (1 of 4 stars). 6 submissions from 6 submitters: Pathogenic (1); Likely pathogenic (4); Uncertain significance (1). Last evaluated 2024-11-18.

Conditions:
Pierson syndrome. Also called: MICROCORIA-CONGENITAL NEPHROTIC SYNDROME. Identifiers: Orphanet 2670, MedGen C1836876, MONDO:0012184, OMIM 609049.
LAMB2-related infantile-onset nephrotic syndrome. Also called: NEPHROTIC SYNDROME, TYPE 5, WITHOUT OCULAR ABNORMALITIES; NEPHROTIC SYNDROME, TYPE 5, WITH OCULAR ABNORMALITIES; Nephrotic Syndrome, type 5. Identifiers: Orphanet 306507, MedGen C3280113, MONDO:0013621, OMIM 614199.

Submissions (6):

MVZ Medizinische Genetik Mainz
Classification: Pathogenic for Pierson syndrome. Last evaluated: 2024-11-18. Review status: criteria provided, single submitter. Criteria: UK Practice Guidelines For Variant Classification V4 01 2020. Collection method: clinical testing. Allele origin: germline. Inheritance: Autosomal recessive inheritance. Affected: yes. Observed: 1 variant allele.
Comment: ACMG Criteria: PP3_STR,PP4_STR,PM3,PM2_SUP

Mayo Clinic Laboratories, Mayo Clinic
Classification: Likely pathogenic. Last evaluated: 2024-07-31. Review status: criteria provided, single submitter. Criteria: ACMG Guidelines, 2015. Collection method: clinical testing. Allele origin: germline. Observed: 1 variant allele.
Comment: PP3, PM1, PM2, PM3

Labcorp Genetics (formerly Invitae), Labcorp
Classification: Likely pathogenic for LAMB2-related infantile-onset nephrotic syndrome; Pierson syndrome. Last evaluated: 2024-04-24. Review status: criteria provided, single submitter. Criteria: Invitae Variant Classification Sherloc (09022015). Collection method: clinical testing. Allele origin: germline.
Comment: This sequence change replaces cysteine, which is neutral and slightly polar, with arginine, which is basic and polar, at codon 324 of the LAMB2 protein (p.Cys324Arg). This variant is not present in population databases (gnomAD no frequency). This missense change has been observed in individuals with nephrotic syndrome (PMID: 28188379; Invitae). ClinVar contains an entry for this variant (Variation ID: 982086). An algorithm developed to predict the effect of missense changes on protein structure and function (PolyPhen-2) suggests that this variant is likely to be disruptive. In summary, the currently available evidence indicates that the variant is pathogenic, but additional data are needed to prove that conclusively. Therefore, this variant has been classified as Likely Pathogenic.

Genomic Medicine Center of Excellence, King Faisal Specialist Hospital and Research Centre
Classification: Likely pathogenic for Pierson syndrome. Last evaluated: 2024-03-17. Review status: criteria provided, single submitter. Criteria: ACMG Guidelines, 2015. Collection method: research. Allele origin: germline.

GeneDx
Classification: Uncertain significance. Last evaluated: 2019-06-25. Review status: criteria provided, single submitter. Criteria: GeneDx Variant Classification Process June 2021. Collection method: clinical testing. Allele origin: germline. Affected: yes.
Comment: In silico analysis, which includes protein predictors and evolutionary conservation, supports a deleterious effect; Not observed in large population cohorts (Lek et al., 2016); This variant is associated with the following publications: (PMID: 28188379)

Pathology and Clinical Laboratory Medicine, King Fahad Medical City
Classification: Likely pathogenic for Pierson syndrome. Review status: criteria provided, single submitter. Criteria: ACMG Guidelines, 2015. Collection method: clinical testing. Allele origin: germline. Affected: yes. Observed: 1 variant allele.

Literature cited by the submitters: PubMed 16912710 (cited by Mayo Clinic Laboratories, Mayo Clinic); PubMed 21511833 (cited by Mayo Clinic Laboratories, Mayo Clinic); PubMed 28188379 (cited by Mayo Clinic Laboratories, Mayo Clinic and Labcorp Genetics (formerly Invitae), Labcorp); PubMed 33231694 (cited by Mayo Clinic Laboratories, Mayo Clinic); PubMed 36829142 (cited by Mayo Clinic Laboratories, Mayo Clinic); PubMed 37705905 (cited by Mayo Clinic Laboratories, Mayo Clinic).

NM_002292.4(LAMB2):c.970T>C (p.Cys324Arg)

Gene: LAMB2 (laminin subunit beta 2; minus strand). Cytogenetic location: 3p21.31.
Variant type: single nucleotide variant.
Coding change: c.970T>C on transcript NM_002292.4 (MANE Select); coding-DNA position 970, T replaced by C.
Protein change: p.Cys324Arg; replaces cysteine 324 with arginine.
Molecular consequence: missense variant.
Genome position (GRCh38, 1-based): chr3:49,130,806, A>G on the plus strand (T>C on the coding strand, the complement: LAMB2 is on the minus strand). VCF-style: chr3-49130806-A-G. GRCh37 (hg19) VCF-style: chr3-49168239-A-G.
Other names: p.Cys324Arg; short protein forms C324R.
Identifiers: ClinVar variation 982086 (VCV000982086.12), dbSNP rs2045472442, ClinGen allele CA352745117.
Genomic context (GRCh38, chr3:49,130,806, plus strand): 5'-AGGCATGACTATGGCCGTCCTCAGCCGGACGCCAGGGCAGGTCACGATAGAAATCCTGAC[A>G]CTGCTCGCAGTTGAGGCCACGTGTGTTGTGTTTGCAGATGCAAGCTCCGTGCACCTATAG-3'
Protein context (NP_002283.3, residues 314-334): HNTRGLNCEQ[Cys324Arg]QDFYRDLPWR